The following is an entry in ClinVar:

NM_001009944.3(PKD1):c.6068G>T (p.Gly2023Val)

Gene: PKD1 (polycystin 1, transient receptor potential channel interacting; minus strand). Cytogenetic location: 16p13.3.
Variant type: single nucleotide variant.
Coding change: c.6068G>T on transcript NM_001009944.3 (MANE Select); coding-DNA position 6068, G replaced by T.
Protein change: p.Gly2023Val; replaces glycine 2023 with valine.
Molecular consequence: missense variant.
Genome position (GRCh38, 1-based): chr16:2,109,099, C>A on the plus strand (G>T on the coding strand, the complement: PKD1 is on the minus strand). VCF-style: chr16-2109099-C-A. GRCh37 (hg19) VCF-style: chr16-2159100-C-A.
Other names: c.6068G>T, p.Gly2023Val (NM_000296.4); short protein forms G2023V.
Identifiers: ClinVar variation 3769247 (VCV003769247.4).

ClinVar aggregate classification (germline): Uncertain significance (1 of 4 stars; one submission).

Submission:

Women's Health and Genetics/Laboratory Corporation of America, LabCorp
Classification: Uncertain significance. Last evaluated: 2026-09-03. Review status: criteria provided, single submitter. Criteria: LabCorp Variant Classification Summary - May 2015. Collection method: clinical testing. Allele origin: germline.
Comment: Variant summary: PKD1 c.6068G>T (p.Gly2023Val) results in a non-conservative amino acid change in the encoded protein sequence. Algorithms developed to predict the effect of missense changes on protein structure and function all suggest that this variant is likely to be disruptive. The variant was absent in 243138 control chromosomes. The available data on variant occurrences in the general population are insufficient to allow any conclusion about variant significance. To our knowledge, no occurrence of c.6068G>T in individuals affected with PKD1-related conditions and no experimental evidence demonstrating its impact on protein function have been reported. ClinVar contains an entry for this variant (Variation ID: 3769247). Based on the evidence outlined above, the variant was classified as uncertain significance.